The following is an entry in ClinVar:

ClinVar aggregate classification (germline): Uncertain significance. Review status: criteria provided, multiple submitters, no conflicts (2 of 4 stars). 2 submissions from 2 submitters: Uncertain significance (2). Last evaluated 2023-12-28.

Allele frequency attached by ClinVar (database versions not stated): gnomAD exomes below 0.00001; ExAC 0.00001; gnomAD 0.00002; TOPMed 0.00005; ESP Exome Variant Server 0.00008; 1000 Genomes Project 30x 0.00016; 1000 Genomes Project 0.00020.
gnomAD v4.1: 6 of 1,607,156 alleles (0.00037%); highest among the groups gnomAD compares: African/African-American, 0.0067%; no homozygotes.

Submissions (2):

Ambry Genetics
Classification: Uncertain significance. Last evaluated: 2023-12-28. Review status: criteria provided, single submitter. Criteria: Ambry Variant Classification Scheme 2023. Collection method: clinical testing. Allele origin: germline.

Labcorp Genetics (formerly Invitae), Labcorp
Classification: Uncertain significance. Last evaluated: 2022-03-01. Review status: criteria provided, single submitter. Criteria: Invitae Variant Classification Sherloc (09022015). Collection method: clinical testing. Allele origin: germline.
Comment: This variant has not been reported in the literature in individuals affected with IL12RB2-related conditions. This sequence change replaces histidine, which is basic and polar, with arginine, which is basic and polar, at codon 555 of the IL12RB2 protein (p.His555Arg). This variant is present in population databases (rs143520369, gnomAD 0.008%). Algorithms developed to predict the effect of missense changes on protein structure and function output the following: SIFT: "Tolerated"; PolyPhen-2: "Benign"; Align-GVGD: "Class C0". The arginine amino acid residue is found in multiple mammalian species, which suggests that this missense change does not adversely affect protein function. In summary, the available evidence is currently insufficient to determine the role of this variant in disease. Therefore, it has been classified as a Variant of Uncertain Significance.

NM_001374259.2(IL12RB2):c.1664A>G (p.His555Arg)

Gene: IL12RB2 (interleukin 12 receptor subunit beta 2; plus strand). Cytogenetic location: 1p31.3.
Variant type: single nucleotide variant.
Coding change: c.1664A>G on transcript NM_001374259.2 (MANE Select); coding-DNA position 1664, A replaced by G.
Protein change: p.His555Arg; replaces histidine 555 with arginine.
Molecular consequence: missense variant. On other transcripts: non-coding transcript variant (1), intron variant (1).
Genome position (GRCh38, 1-based): chr1:67,372,730, A>G. VCF-style: chr1-67372730-A-G. GRCh37 (hg19) VCF-style: chr1-67838413-A-G.
Other names: c.1664A>G, p.His555Arg (NM_001258214.1, NM_001258216.1, NM_001319233.1 and 1 more transcripts); c.1459+4705A>G (NM_001258215.1); c.1664A>G (NM_001559.2); short protein forms H555R.
Identifiers: ClinVar variation 2421523 (VCV002421523.7), dbSNP rs143520369, ClinGen allele CA900542.